The following is an entry in ClinVar:

ClinVar aggregate classification (germline): Conflicting classifications of pathogenicity. Review status: criteria provided, conflicting classifications (1 of 4 stars). 6 submissions from 6 submitters: Uncertain significance (4); Likely benign (2). Last evaluated 2026-01-19.

Conditions:
Peripheral neuropathy. Also called: Neuropathy. Identifiers: MedGen C0031117, MONDO:0005244, HP:0009830.
Inborn genetic diseases. Identifiers: MedGen C0950123, MeSH D030342.
Actin accumulation myopathy (CMYO2A). Also called: CONGENITAL MYOPATHY 2A, TYPICAL, AUTOSOMAL DOMINANT; Myopathy, actin, congenital, with cores; Nemaline myopathy 3, with intranuclear rods; Nemaline myopathy type 3; Myopathy, actin, congenital, with excess of thin myofilaments. Identifiers: Orphanet 98904, MedGen C3711389, MONDO:0008070, OMIM 161800.
Nemaline myopathy 2 (NEM2). Also called: Nemaline myopathy 2, autosomal recessive. Identifiers: MedGen C1850569, MONDO:0009725, OMIM 256030.

Allele frequency attached by ClinVar (database versions not stated): gnomAD 0.00016 and 0.00020; gnomAD exomes 0.00020 and 0.00022; TOPMed 0.00020; ExAC 0.00024; ESP Exome Variant Server 0.00025.
gnomAD v4.1: 324 of 1,613,390 alleles (0.02%); highest among the groups gnomAD compares: Middle Eastern, 0.17%; 1 homozygote.

Submissions (6):

Labcorp Genetics (formerly Invitae), Labcorp
Classification: Likely benign for Nemaline myopathy 2. Last evaluated: 2026-01-19. Review status: criteria provided, single submitter. Criteria: Invitae Variant Classification Sherloc (09022015). Collection method: clinical testing. Allele origin: germline.

Revvity Omics, Revvity
Classification: Uncertain significance. Last evaluated: 2025-03-18. Review status: criteria provided, single submitter. Criteria: ACMG Guidelines, 2015. Collection method: clinical testing. Allele origin: germline.

Ambry Genetics
Classification: Uncertain significance for Inborn genetic diseases. Last evaluated: 2024-12-23. Review status: criteria provided, single submitter. Criteria: Ambry Variant Classification Scheme 2023. Collection method: clinical testing. Allele origin: germline.

Illumina Laboratory Services, Illumina
Classification: Uncertain significance for Nemaline myopathy 2. Last evaluated: 2018-01-12. Review status: criteria provided, single submitter. Criteria: ICSL Variant Classification Criteria 13 December 2019. Collection method: clinical testing. Allele origin: germline.

GeneDx
Classification: Likely benign. Last evaluated: 2017-05-12. Review status: criteria provided, single submitter. Criteria: GeneDx Variant Classification (06012015). Collection method: clinical testing. Allele origin: germline. Affected: yes.
Comment: This variant is considered likely benign or benign based on one or more of the following criteria: it is a conservative change, it occurs at a poorly conserved position in the protein, it is predicted to be benign by multiple in silico algorithms, and/or has population frequency not consistent with disease.

Claritas Genomics
Classification: Uncertain significance for Peripheral neuropathy. Last evaluated: 2016-08-22. Review status: criteria provided, single submitter. Criteria: ACMG Guidelines, 2015. Collection method: clinical testing. Allele origin: germline. Affected: yes.

NM_001164508.2(NEB):c.21797C>T (p.Pro7266Leu)

Genes: NEB (nebulin; minus strand), RIF1 (replication timing regulatory factor 1; plus strand). Cytogenetic location: 2q23.3.
Variant type: single nucleotide variant.
Coding change: c.21797C>T on transcript NM_001164508.2 (MANE Select); coding-DNA position 21797, C replaced by T.
Protein change: p.Pro7266Leu; replaces proline 7266 with leucine.
Molecular consequence: missense variant.
Genome position (GRCh38, 1-based): chr2:151,527,524, G>A on the plus strand (C>T on the coding strand, the complement: NEB is on the minus strand). VCF-style: chr2-151527524-G-A. GRCh37 (hg19) VCF-style: chr2-152384038-G-A.
Other names: c.21797C>T, p.Pro7266Leu (NM_001164507.2); c.21902C>T, p.Pro7301Leu (NM_001271208.2); c.16694C>T, p.Pro5565Leu (NM_004543.5); short protein forms P7301L, P5565L, P7266L.
Identifiers: ClinVar variation 387835 (VCV000387835.17), dbSNP rs367626762, ClinGen allele CA1906875.
Genomic context (GRCh38, chr2:151,527,524, plus strand): 5'-TGTCTCTCCTGTCTTACATCGCTTTGCTGCAGGGATGACTTGGCAGCCTGGAGGAAGTCC[G>A]GTCGGTCAGGAGTCCACTTCCAGTGGGCTTTGTTGGCTTCGTACTGTTTCTTATAGTCCA-3'
Protein context (NP_001157980.2, residues 7256-7276): KAHWKWTPDR[Pro7266Leu]DFLQAAKSSL